The following is an entry in ClinVar:

ClinVar aggregate classification (germline): Likely pathogenic (1 of 4 stars; one submission).

Conditions:
Becker muscular dystrophy, Cardiomyopathy, Duchenne muscular dystrophy, Dystrophin deficiency.

Submission:

Natera, Inc.
Classification: Likely pathogenic for Becker muscular dystrophy, Cardiomyopathy, Duchenne muscular dystrophy, Dystrophin deficiency. Last evaluated: 2025-06-23. Review status: criteria provided, single submitter. Criteria: Natera Variant Classification Schema (03/2026). Collection method: clinical testing. Allele origin: germline.
Comment: The c.5228del variant in DMD is a frameshift variant predicted to shift the reading frame beginning at codon 1743 and leads to a stop codon 10 codons downstream. This variant is expected to result in nonsense mediated decay, truncation, or a dysfunctional protein product. This variant is rare in the general population with a frequency below the threshold expected for the associated phenotype(s). Given the available evidence, this variant is classified as Likely Pathogenic.

NM_004006.3(DMD):c.5228del (p.Ala1743fs)

Gene: DMD (dystrophin; minus strand). Cytogenetic location: Xp21.1.
Variant type: Deletion.
Coding change: c.5228del on transcript NM_004006.3 (MANE Select); coding-DNA position 5228, one base deleted (C; older notation c.5228delC).
Protein change: p.Ala1743fs; shifts the reading frame from alanine 1743.
Molecular consequence: frameshift variant.
Genome position (GRCh38, 1-based): chrX:32,362,885, G deleted on the plus strand (C on the coding strand, the reverse complement: DMD is on the minus strand). VCF-style (leftmost placement, unchanged base first): chrX-32362884-TG-T. GRCh37 (hg19) VCF-style: chrX-32381001-TG-T.
Other names: c.5204del, p.Ala1735fs (NM_000109.4); c.5228delC, p.Ala1743Glufs (NM_004006.2); c.5216del, p.Ala1739fs (NM_004009.3); c.4859del, p.Ala1620fs (NM_004010.3); c.1205del, p.Ala402fs (NM_004011.4); c.1196del, p.Ala399fs (NM_004012.4); short protein forms A1620fs, A1735fs, A1739fs, A1743fs, A399fs, A402fs.
Identifiers: ClinVar variation 4815313 (VCV004815313.1).
Genomic context (GRCh38, chrX:32,362,884, plus strand): 5'-TCGATGGTTGAGCTCTGAGATTTGGGGCTCTACTAATTTCCTGCAGTGGTCACCGCGGTT[TG>T]CCATCAAGTTTGCTGCTTGGTCACGTGTAGAGTCCACCTTTGGGCGTATGTCATTCAGTT-3'